The following is an entry in ClinVar:

NM_000245.4(MET):c.1352C>T (p.Thr451Ile)

Gene: MET (MET proto-oncogene, receptor tyrosine kinase; plus strand). Cytogenetic location: 7q31.2.
Variant type: single nucleotide variant.
Coding change: c.1352C>T on transcript NM_000245.4 (MANE Select); coding-DNA position 1352, C replaced by T.
Protein change: p.Thr451Ile; replaces threonine 451 with isoleucine.
Molecular consequence: missense variant.
Genome position (GRCh38, 1-based): chr7:116,731,819, C>T. VCF-style: chr7-116731819-C-T. GRCh37 (hg19) VCF-style: chr7-116371873-C-T.
Other names: c.1352C>T, p.Thr451Ile (NM_001127500.3, NM_001324401.3); c.62C>T, p.Thr21Ile (NM_001324402.2); short protein forms T21I, T451I.
Identifiers: ClinVar variation 3395129 (VCV003395129.1).

ClinVar aggregate classification (germline): Uncertain significance (1 of 4 stars; one submission).

Conditions:
Hereditary cancer-predisposing syndrome. Also called: Hereditary Cancer Syndrome; Tumor predisposition; Hereditary neoplastic syndrome; Neoplastic Syndromes, Hereditary. Identifiers: Orphanet 140162, MedGen C0027672, MeSH D009386, MONDO:0015356.

Submission:

Ambry Genetics
Classification: Uncertain significance for Hereditary cancer-predisposing syndrome. Last evaluated: 2024-08-08. Review status: criteria provided, single submitter. Criteria: Ambry Variant Classification Scheme 2023. Collection method: clinical testing. Allele origin: germline.
Comment: The p.T451I variant (also known as c.1352C>T), located in coding exon 2 of the MET gene, results from a C to T substitution at nucleotide position 1352. The threonine at codon 451 is replaced by isoleucine, an amino acid with similar properties. This amino acid position is conserved. In addition, the in silico prediction for this alteration is inconclusive. Based on the available evidence, the clinical significance of this variant remains unclear.